The following is an entry in ClinVar:

NM_014112.5(TRPS1):c.2150C>T (p.Thr717Ile)

Gene: TRPS1 (transcriptional repressor GATA binding 1; minus strand). Cytogenetic location: 8q23.3.
Variant type: single nucleotide variant.
Coding change: c.2150C>T on transcript NM_014112.5 (MANE Select); coding-DNA position 2150, C replaced by T.
Protein change: p.Thr717Ile; replaces threonine 717 with isoleucine.
Molecular consequence: missense variant.
Genome position (GRCh38, 1-based): chr8:115,587,551, G>A on the plus strand (C>T on the coding strand, the complement: TRPS1 is on the minus strand). VCF-style: chr8-115587551-G-A. GRCh37 (hg19) VCF-style: chr8-116599778-G-A.
Other names: c.2123C>T, p.Thr708Ile (NM_001282902.3); c.2129C>T, p.Thr710Ile (NM_001282903.3); c.2111C>T, p.Thr704Ile (NM_001330599.2); short protein forms T704I, T717I, T708I, T710I.
Identifiers: ClinVar variation 4792235 (VCV004792235.1).

ClinVar aggregate classification (germline): Uncertain significance (1 of 4 stars; one submission).

Conditions:
Trichorhinophalangeal dysplasia type I (TRPS1). Also called: TRICHORHINOPHALANGEAL SYNDROME, TYPE I; TRPS I. Identifiers: Orphanet 77258, MedGen C0432233, MONDO:0008596, OMIM 190350.
Trichorhinophalangeal syndrome, type III (TRPS3). Also called: SUGIO-KAJII SYNDROME. Identifiers: Orphanet 77258, MedGen C1860823, OMIM 190351, MONDO:0008597.

gnomAD v4.1: 1 of 1,614,188 alleles (0.000062%); highest among the groups gnomAD compares: East Asian, 0.0022%; no homozygotes.

Submission:

Labcorp Genetics (formerly Invitae), Labcorp
Classification: Uncertain significance for Trichorhinophalangeal syndrome, type III; Trichorhinophalangeal dysplasia type I. Last evaluated: 2025-02-13. Review status: criteria provided, single submitter. Criteria: Invitae Variant Classification Sherloc (09022015). Collection method: clinical testing. Allele origin: germline.
Comment: This sequence change replaces threonine, which is neutral and polar, with isoleucine, which is neutral and non-polar, at codon 717 of the TRPS1 protein (p.Thr717Ile). This variant is not present in population databases (gnomAD no frequency). This variant has not been reported in the literature in individuals affected with TRPS1-related conditions. Invitae Evidence Modeling of protein sequence and biophysical properties (such as structural, functional, and spatial information, amino acid conservation, physicochemical variation, residue mobility, and thermodynamic stability) has been performed for this missense variant. However, the output from this modeling did not meet the statistical confidence thresholds required to predict the impact of this variant on TRPS1 protein function. In summary, the available evidence is currently insufficient to determine the role of this variant in disease. Therefore, it has been classified as a Variant of Uncertain Significance.